The following is an entry in ClinVar:

NM_001398427.1(CHN2):c.-442T>C

Genes: CHN2 (chimerin 2; plus strand), CPVL (carboxypeptidase vitellogenic like; minus strand). Cytogenetic location: 7p14.3.
Variant type: single nucleotide variant.
Coding change: c.-442T>C on transcript NM_001398427.1; 442 bases upstream of the start codon, T replaced by C.
Molecular consequence: 5 prime UTR variant. On other transcripts: intron variant (15).
Genome position (GRCh38, 1-based): chr7:29,146,908, T>C. VCF-style: chr7-29146908-T-C. GRCh37 (hg19) VCF-style: chr7-29186524-T-C.
Other names: NM_001293069.1:c.222T>C; c.-10-25837A>G (NM_001371257.1, NM_001371262.1, NM_001371263.1 and 8 more transcripts); c.-337-25837A>G (NM_001371267.1); c.-71-25837A>G (NM_001371268.1); c.-364-25837A>G (NM_001371266.1); c.-496-25837A>G (NM_001371265.1).
Identifiers: ClinVar variation 3051277 (VCV003051277.2), dbSNP rs1157919216, ClinGen allele CA454418893.

ClinVar aggregate classification (germline): Likely benign (0 of 4 stars; one submission).

Conditions:
CHN2-related disorder. Also called: CHN2-related condition.

gnomAD v4.1: 14 of 1,551,108 alleles (0.0009%); highest among the groups gnomAD compares: Middle Eastern, 0.033%; no homozygotes.

Submission:

PreventionGenetics, part of Exact Sciences
Classification: Likely benign for CHN2-related condition. Last evaluated: 2020-01-20. Review status: no assertion criteria provided. Collection method: clinical testing. Allele origin: germline.
Comment: This variant is classified as likely benign based on ACMG/AMP sequence variant interpretation guidelines (Richards et al. 2015 PMID: 25741868, with internal and published modifications).